The following is an entry in ClinVar:

ClinVar aggregate classification (germline): Likely benign (1 of 4 stars; one submission).

Conditions:
UTP4-related disorder. Also called: UTP4-related condition.

Submission:

PreventionGenetics, part of Exact Sciences
Classification: Likely benign for UTP4-related condition. Last evaluated: 2025-07-21. Review status: criteria provided, single submitter. Criteria: ACMG Guidelines, 2015. Collection method: clinical testing. Allele origin: germline.
Comment: This variant is classified as likely benign based on ACMG/AMP sequence variant interpretation guidelines (Richards et al. 2015 PMID: 25741868, with internal and published modifications).

NM_032830.3(UTP4):c.1147C>T (p.Leu383=)

Gene: UTP4 (UTP4 small subunit processome component). Cytogenetic location: 16q22.1.
Variant type: single nucleotide variant.
Coding change: c.1147C>T on transcript NM_032830.3 (MANE Select); coding-DNA position 1147, C replaced by T.
Protein change: p.Leu383=; no amino-acid change (leucine 383 retained).
Molecular consequence: synonymous variant.
Genome position (GRCh38, 1-based): chr16:69,154,440, C>T. VCF-style: chr16-69154440-C-T. GRCh37 (hg19) VCF-style: chr16-69188343-C-T.
Other names: c.898C>T, p.Leu300= (NM_001318391.2).
Identifiers: ClinVar variation 4977690 (VCV004977690.1).